The following is an entry in ClinVar:

ClinVar aggregate classification (germline): Conflicting classifications of pathogenicity. Review status: criteria provided, conflicting classifications (1 of 4 stars). 34 submissions from 33 submitters: Pathogenic (16); Likely pathogenic (11); Uncertain significance (3). 4 of the submissions do not count toward it. Last evaluated 2026-09-24.

Conditions:
PNKP-related disorder. Also called: PNKP-related disorders; PNKP-related condition.
Microcephaly, seizures, and developmental delay. Identifiers: Orphanet 1934, MedGen C3150667, MONDO:0013254, OMIM 613402.
Charcot-Marie-Tooth disease type 2B2 (CMT2B2). Also called: CHARCOT-MARIE-TOOTH DISEASE, NEURONAL, TYPE 2B2; CHARCOT-MARIE-TOOTH DISEASE, AXONAL, TYPE 2B2; Charcot-Marie-Tooth Neuropathy Type 2B2; CHARCOT-MARIE-TOOTH DISEASE, AXONAL, AUTOSOMAL RECESSIVE, TYPE 2B2. Identifiers: Orphanet 101101, MedGen C1854150, MONDO:0011570, OMIM 605589.
Ataxia - oculomotor apraxia type 4. Identifiers: Orphanet 459033, MedGen C4225397, MONDO:0014557, OMIM 616267.
Autosomal recessive PNKP-related disorders.
Inborn genetic diseases. Identifiers: MedGen C0950123, MeSH D030342.
Developmental and epileptic encephalopathy, 12 (DEE12). Identifiers: MedGen C3150988, MONDO:0013389, OMIM 613722.
Microcephaly. Also called: Microcephaly (disease). Identifiers: MedGen C4551563, MONDO:0001149, HP:0000252.
Abnormal cerebral morphology. Also called: Abnormality of the cerebrum. Identifiers: MedGen C4021762, HP:0002060.

Allele frequency attached by ClinVar (database versions not stated): 1000 Genomes Project 30x 0.00016; gnomAD exomes 0.00106 and 0.00188; ESP Exome Variant Server 0.00082; TOPMed 0.00085; gnomAD 0.00115 and 0.00111; ExAC 0.00065.
gnomAD v4.1: 2,277 of 1,280,492 alleles (0.18%); highest among the groups gnomAD compares: Non-Finnish European, 0.23%; no homozygotes.

Submissions 1 to 10 of 39:

PreventionGenetics, part of Exact Sciences
Classification: Likely pathogenic for PNKP-related condition. Last evaluated: 2026-09-24. Review status: criteria provided, single submitter. Criteria: ACMG Guidelines, 2015. Collection method: clinical testing. Allele origin: germline.
Comment: The PNKP c.1029+2T>C variant is predicted to disrupt the GT donor site and interfere with normal splicing. This variant has been reported in the compound heterozygous state in at least five individuals with severe progressive microcephaly, hypotonia, developmental delays, and ataxia-oculomotor apraxia type 4 (Neuser et al. 2021. PubMed ID: 34697416; Rudenskaya et al. 2019. PubMed ID: 31061747; Freitas et al. 2021. PubMed ID: 33654647). Functional studies confirm that this variant causes aberrant splicing by skipping exon 11, resulting in an in-frame deletion of amino acids 313-343 (Wai et al. 2020. PubMed ID: 32123317). In another study, RT-PCR demonstrated two alternate splicing products, the predominant transcript that skips exon 11 and to a lesser extent a transcript that retained intron 10 (Neuser et al. 2021. PubMed ID: 34697416). A mouse knockout model showed complete embryonic lethality (Oddsson et al. 2023. PubMed ID: 37301908). This variant is reported in 0.21% of alleles in individuals of European (non-Finnish) descent in gnomAD and has conflicting interpretations in ClinVar ranging from pathogenic to uncertain (Variation ID: 206401). This variant is interpreted as likely pathogenic.

Department of Medical Genetics, Jagiellonian University Medical College
Classification: Pathogenic for Microcephaly, seizures, and developmental delay. Last evaluated: 2026-08-09. Review status: criteria provided, single submitter. Criteria: ACMG Guidelines, 2015. Collection method: research. Allele origin: inherited. Inheritance: Autosomal recessive inheritance. Affected: yes. Observed: 1 variant allele, 1 compound heterozygote.

OLLIN Analises Genomicas, OLLIN
Classification: Pathogenic for Microcephaly, seizures, and developmental delay. Last evaluated: 2026-08-06. Review status: criteria provided, single submitter. Criteria: ACMG Guidelines 2015 PMID 25741868. Collection method: clinical testing. Allele origin: germline. Inheritance: Autosomal recessive inheritance.
Comment: This variant, located at the canonical splicing site (splice donor), has been reported in ClinVar (accession VCV000206401.106) and in gnomAD with an allele frequency of 0.18%. However, to our knowledge, it has not been reported in the scientific literature. This variant is predicted to disrupt a canonical splice site, potentially leading to exon skipping, mRNA degradation via nonsense-mediated decay (NMD), or production of a truncated protein. Another pathogenic variant has been reported to result in the same amino acid substitution. According to the currently available evidence, this variant has been classified as pathogenic (PVS1, PS1_P, PM2_P, PM3_S).

CeGaT Center for Human Genetics Tuebingen
Classification: Pathogenic. Last evaluated: 2026-06-01. Review status: criteria provided, single submitter. Criteria: CeGaT Center For Human Genetics Tuebingen Variant Classification Criteria Version 2. Collection method: clinical testing. Allele origin: germline. Affected: yes. Observed: 16 variant alleles.
Comment: PNKP: PM3:Strong, PP1:Strong, PVS1:Strong, PM2:Supporting

Broad Center for Mendelian Genomics, Broad Institute of MIT and Harvard
Classification: Likely pathogenic for Microcephaly, seizures, and developmental delay. Last evaluated: 2026-03-04. Review status: criteria provided, single submitter. Criteria: ACMG Guidelines, 2015. Collection method: research. Allele origin: germline. Inheritance: Autosomal recessive inheritance. Study: GREGoR Consortium.
Comment: The c.1029+2T>C variant in PNKP has been reported in the compound heterozygous state in 4 individuals with microcephaly, seizures, and developmental delay and segregated with disease in 2 affected individuals from 2 families (Rudenskaya 2019 PMID: 31061747; Freitas 2021 PMID: 33654647; Neuser 2022 PMID: 34697416). It has also been identified in 0.2% (2099/924436) of European (non-Finnish) chromosomes by gnomAD. This variant has also been reported in ClinVar (Variation ID 206401). This variant occurs within the canonical splice site (+/- 1,2) and is predicted to cause altered splicing leading to an abnormal or absent protein. Loss of function of the PNKP gene is an established disease mechanism in autosomal recessive microcephaly, seizures, and developmental delay. RNAseq showed exon 11 skipping, which is in-frame and is predicted to escape nonsense mediated decay (NMD) (Neuser 2021 PMID: 34697416; Wai 2020 PMID: 32123317). In summary, although additional studies are required to fully establish its clinical significance, this variant meets criteria to be classified as likely pathogenic for autosomal recessive microcephaly, seizures, and developmental delay. ACMG/AMP Criteria applied: PM3_strong, PVS1_moderate, PP1.

Labcorp Genetics (formerly Invitae), Labcorp
Classification: Pathogenic for Developmental and epileptic encephalopathy, 12. Last evaluated: 2026-01-19. Review status: criteria provided, single submitter. Criteria: Invitae Variant Classification Sherloc (09022015). Collection method: clinical testing. Allele origin: germline.
Comment: This sequence change affects a donor splice site in intron 11 of the PNKP gene. RNA analysis indicates that disruption of this splice site induces altered splicing and may result in an absent or altered protein product. This variant is present in population databases (rs199919568, gnomAD 0.2%), and has an allele count higher than expected for a pathogenic variant. Disruption of this splice site has been observed in individual(s) with clinical features of PNKP-related conditions (PMID: 31061747). In at least one individual the data is consistent with being in trans (on the opposite chromosome) from a pathogenic variant. It has also been observed to segregate with disease in related individuals. ClinVar contains an entry for this variant (Variation ID: 206401). Studies have shown that disruption of this splice site results in skipping of exon 11 and/or intron 10 retention , and produces a non-functional protein and/or introduces a premature termination codon (PMID: 34697416, 37301908). For these reasons, this variant has been classified as Pathogenic.

Variantyx, Inc.
Classification: Pathogenic for Autosomal recessive PNKP-related disorders. Last evaluated: 2025-12-22. Review status: criteria provided, single submitter. Criteria: Variantyx Assertion Criteria 2022. Collection method: clinical testing. Allele origin: germline. Inheritance: Autosomal recessive inheritance. Affected: no.
Comment: This is a canonical splicing variant in the PNKP gene (OMIM: 605610). Pathogenic variants in this gene have been associated with autosomal recessive PNKP-related disorders. This splicing variant is expected to result in loss of function, which is a known disease mechanism for PNKP in these disorders (PMID: 33654647, 20118933, 25728773) (PVS1).It has been identified in compound heterozygous state in several individuals reported in the published literature (PMID: 33654647, 34697416, 31061747) (PM3_Strong) and has a 0.2271% maximum allele frequency in non-founder control populations. Based on the current evidence, this variant is classified as pathogenic for autosomal recessive PNKP-related disorders.

GeneDx
Classification: Pathogenic. Last evaluated: 2025-08-26. Review status: criteria provided, single submitter. Criteria: GeneDx Variant Classification Process June 2021. Collection method: clinical testing. Allele origin: germline. Affected: yes.
Comment: RNA studies and functional RNA analyses demonstrate a damaging effect and indicate aberrant splicing in response to c.1029+2T>C resulting predominately in skipping of exon 11, affecting the phosphatase domain and the kinase domain (PMID: 37301908, 34697416, 22508754); In silico analysis supports a deleterious effect on splicing; This variant is associated with the following publications: (PMID: 31061747, 29655203, 29720203, 29261713, 22508754, 32123317, 34697416, Fontaine2022[Preprint], 33654647, 37301908, 38523675)

Mayo Clinic Laboratories, Mayo Clinic
Classification: Likely pathogenic. Last evaluated: 2025-07-29. Review status: criteria provided, single submitter. Criteria: ACMG Guidelines, 2015. Collection method: clinical testing. Allele origin: germline. Observed: 5 variant alleles.
Comment: PM3, PS3_moderate, PVS1_strong

Athena Diagnostics
Classification: Pathogenic. Last evaluated: 2025-06-26. Review status: criteria provided, single submitter. Criteria: Athena Diagnostics Criteria. Collection method: clinical testing. Allele origin: unknown.
Comment: This variant is expected to severely impact normal RNA splicing, and consequently, protein structure and/or function. The frequency of this variant in the general population is consistent with pathogenicity. This variant segregates with disease in at least one family with ataxia-oculomotor apraxia and at least one family with microcephaly.

NM_007254.4(PNKP):c.1029+2T>C

Gene: PNKP (polynucleotide kinase 3'-phosphatase; minus strand). Cytogenetic location: 19q13.33.
Variant type: single nucleotide variant.
Coding change: c.1029+2T>C on transcript NM_007254.4 (MANE Select); the canonical splice donor site of the intron after coding-DNA position 1029, T replaced by C.
Molecular consequence: splice donor variant.
Genome position (GRCh38, 1-based): chr19:49,862,369, A>G on the plus strand (T>C on the coding strand, the complement: PNKP is on the minus strand). VCF-style: chr19-49862369-A-G. GRCh37 (hg19) VCF-style: chr19-50365626-A-G.
Identifiers: ClinVar variation 206401 (VCV000206401.109), dbSNP rs199919568, ClinGen allele CA316482.